The following is an entry in ClinVar:

NM_001365896.1(NACA):c.2997T>C (p.Gly999=)

Gene: NACA (nascent polypeptide associated complex subunit alpha; minus strand). Cytogenetic location: 12q13.3.
Variant type: single nucleotide variant.
Coding change: c.2997T>C on transcript NM_001365896.1 (MANE Select); coding-DNA position 2997, T replaced by C.
Protein change: p.Gly999=; no amino-acid change (glycine 999 retained).
Molecular consequence: synonymous variant. On other transcripts: intron variant (6).
Genome position (GRCh38, 1-based): chr12:56,718,533, A>G on the plus strand (T>C on the coding strand, the complement: NACA is on the minus strand). VCF-style: chr12-56718533-A-G. GRCh37 (hg19) VCF-style: chr12-57112317-A-G.
Other names: c.1864+1004T>C (NM_001113203.3); c.71-3846T>C (NM_001320193.2, NM_005594.6, NM_001113201.3 and 2 more transcripts).
Identifiers: ClinVar variation 3239091 (VCV003239091.19), dbSNP rs776412450.

ClinVar aggregate classification (germline): Likely benign (1 of 4 stars; one submission).

Allele frequency attached by ClinVar (database versions not stated): ExAC 0.00001; gnomAD 0.00960.

Submission:

CeGaT Center for Human Genetics Tuebingen
Classification: Likely benign. Last evaluated: 2026-02-01. Review status: criteria provided, single submitter. Criteria: CeGaT Center For Human Genetics Tuebingen Variant Classification Criteria Version 2. Collection method: clinical testing. Allele origin: germline. Affected: yes. Observed: 3 variant alleles.
Comment: NACA: BP4, BP7